The following is an entry in ClinVar:

ClinVar aggregate classification (germline): Uncertain significance (1 of 4 stars; one submission).

Conditions:
Dyskeratosis congenita, autosomal dominant 1 (DKCA1). Also called: Dyskeratosis congenita Scoggins type. Identifiers: Orphanet 1775, MedGen C4551974, MONDO:0007485, OMIM 127550. Inheritance: Variable.

Allele frequency attached by ClinVar (database versions not stated): gnomAD exomes below 0.00001 and 0.00001; gnomAD 0.00001.
gnomAD v4.1: 2 of 728,374 alleles (0.00027%); highest among the groups gnomAD compares: Non-Finnish European, 0.0005%; no homozygotes.

Submission:

Labcorp Genetics (formerly Invitae), Labcorp
Classification: Uncertain significance for Dyskeratosis congenita, autosomal dominant 1. Last evaluated: 2025-11-22. Review status: criteria provided, single submitter. Criteria: Invitae Variant Classification Sherloc (09022015). Collection method: clinical testing. Allele origin: germline.
Comment: This variant occurs in the TERC gene, which encodes an RNA molecule that does not result in a protein product. The frequency data for this variant in the population databases is considered unreliable, as metrics indicate poor data quality at this position in the gnomAD database. This variant has not been reported in the literature in individuals affected with TERC-related conditions. ClinVar contains an entry for this variant (Variation ID: 643046). This variant is located within the BoxH/ACA scaRNA domain of the TERC RNA component, which is required for telomerase activity (PMID: 21844345). In summary, the available evidence is currently insufficient to determine the role of this variant in disease. Therefore, it has been classified as a Variant of Uncertain Significance.

Literature cited by the submitters: PubMed 21844345.

NC_000003.12:g.169764828C>T

Genes: TERC (telomerase RNA component; minus strand), LOC110806306 (telomerase RNA component (TERC) promoter; plus strand). Cytogenetic location: 3q26.2.
Variant type: single nucleotide variant.
Genome position: GRCh38 VCF-style: chr3-169764828-C-T. GRCh37 (hg19) VCF-style: chr3-169482616-C-T.
Identifiers: ClinVar variation 643046 (VCV000643046.9), dbSNP rs1325097452, ClinGen allele CA436715333.